The following is an entry in ClinVar:

ClinVar aggregate classification (germline): Uncertain significance. Review status: criteria provided, multiple submitters, no conflicts (2 of 4 stars). 4 submissions from 4 submitters: Uncertain significance (2). 2 of the submissions do not count toward it. Last evaluated 2024-08-08.

Conditions:
Long chain 3-hydroxyacyl-CoA dehydrogenase deficiency. Also called: Deficiency of long-chain 3-hydroxyacyl-coenzyme A dehydrogenase; LCHAD Deficiency. Identifiers: Orphanet 5, MedGen C3711645, MONDO:0012173, OMIM 609016.

Allele frequency attached by ClinVar (database versions not stated): gnomAD exomes below 0.00001; TOPMed below 0.00001; gnomAD 0.00001.
gnomAD v4.1: 6 of 1,546,456 alleles (0.00039%); highest among the groups gnomAD compares: Non-Finnish European, 0.00054%; no homozygotes.

Submissions (4):

Women's Health and Genetics/Laboratory Corporation of America, LabCorp
Classification: Uncertain significance. Last evaluated: 2024-08-08. Review status: criteria provided, single submitter. Criteria: LabCorp Variant Classification Summary - May 2015. Collection method: clinical testing. Allele origin: germline.
Comment: Variant summary: HADHA c.982G>A (p.Gly328Arg) results in a non-conservative amino acid change in the encoded protein sequence. Five of five in-silico tools predict a damaging effect of the variant on protein function. The variant allele was found at a frequency of 4e-06 in 251214 control chromosomes. The available data on variant occurrences in the general population are insufficient to allow any conclusion about variant significance. c.982G>A has been reported in the literature in one individual affected with Long Chain 3-Hydroxyacyl-CoA Dehydrogenase Deficiency (Djouadi_2016, Schwantje_2022). These data do not allow any conclusion about variant significance. To our knowledge, no experimental evidence demonstrating an impact on protein function has been reported. The following publications have been ascertained in the context of this evaluation (PMID: 26109258, 35383965). ClinVar contains an entry for this variant (Variation ID: 203744). Based on the evidence outlined above, the variant was classified as uncertain significance.

GeneDx
Classification: Uncertain significance. Last evaluated: 2013-07-11. Review status: criteria provided, single submitter. Criteria: GeneDx Variant Classification (06012015). Collection method: clinical testing. Allele origin: germline. Affected: yes.
Comment: The G328R missense substitution has not been published as a mutation, nor has it been reported as a benign polymorphism to our knowledge. The amino acid change is non-conservative as a small, uncharged Glycine residue is replaced by a large, positively charged Arginine residue. This change occurs at a highly conserved position in the HADHA protein. In-silico analyses are not consistent in their predictions of whether G328R is damaging to the HADHA protein. Therefore, based on the currently available information, it is unclear whether G328R is a disease-causing mutation or a rare benign variant. The variant is found in HADHA panel(s).

Natera, Inc.
Classification: Uncertain significance for Deficiency of long-chain 3-hydroxyacyl-coenzyme A dehydrogenase. Last evaluated: 2021-07-14. Review status: no assertion criteria provided. Collection method: clinical testing. Allele origin: germline. Not counted in ClinVar's aggregate classification.

Counsyl
Classification: Uncertain significance for Long chain 3-hydroxyacyl-CoA dehydrogenase deficiency. Last evaluated: 2018-04-16. Review status: no assertion criteria provided. Collection method: clinical testing. Allele origin: unknown. Not counted in ClinVar's aggregate classification.

Literature cited by the submitters: PubMed 26109258 (cited by Women's Health and Genetics/Laboratory Corporation of America, LabCorp and Counsyl); PubMed 35383965 (cited by Women's Health and Genetics/Laboratory Corporation of America, LabCorp).

NM_000182.5(HADHA):c.982G>A (p.Gly328Arg)

Gene: HADHA (hydroxyacyl-CoA dehydrogenase trifunctional multienzyme complex subunit alpha; minus strand). Cytogenetic location: 2p23.3.
Variant type: single nucleotide variant.
Coding change: c.982G>A on transcript NM_000182.5 (MANE Select); coding-DNA position 982, G replaced by A.
Protein change: p.Gly328Arg; replaces glycine 328 with arginine.
Molecular consequence: missense variant.
Genome position (GRCh38, 1-based): chr2:26,209,883, C>T on the plus strand (G>A on the coding strand, the complement: HADHA is on the minus strand). VCF-style: chr2-26209883-C-T. GRCh37 (hg19) VCF-style: chr2-26432752-C-T.
Other names: p.G328R:GGA>AGA; short protein forms G328R.
Identifiers: ClinVar variation 203744 (VCV000203744.7), dbSNP rs796051970, ClinGen allele CA312581.